The following is an entry in ClinVar:

ClinVar aggregate classification (germline): Likely benign (1 of 4 stars; one submission).

gnomAD v4.1: 105 of 1,591,888 alleles (0.0066%); highest among the groups gnomAD compares: South Asian, 0.051%; 1 homozygote.

Submission:

CeGaT Center for Human Genetics Tuebingen
Classification: Likely benign. Last evaluated: 2026-07-01. Review status: criteria provided, single submitter. Criteria: CeGaT Center For Human Genetics Tuebingen Variant Classification Criteria Version 2. Collection method: clinical testing. Allele origin: germline. Affected: yes. Observed: 1 variant allele.
Comment: BRSK2: BP4

NM_001256627.2(BRSK2):c.780+4C>T

Gene: BRSK2 (BR serine/threonine kinase 2; plus strand). Cytogenetic location: 11p15.5.
Variant type: single nucleotide variant.
Coding change: c.780+4C>T on transcript NM_001256627.2 (MANE Select); 4 bases into the intron after coding-DNA position 780, C replaced by T.
Molecular consequence: intron variant.
Genome position (GRCh38, 1-based): chr11:1,443,639, C>T. VCF-style: chr11-1443639-C-T. GRCh37 (hg19) VCF-style: chr11-1464869-C-T.
Other names: c.780+4C>T (NM_001440665.1, NM_001440668.1, NM_001440670.1 and 3 more transcripts); c.600+4C>T (NM_001440674.1, NM_001440671.1, NM_001440672.1 and 5 more transcripts); c.918+4C>T (NM_001256630.1, NM_001440667.1).
Identifiers: ClinVar variation 5038736 (VCV005038736.1).
Genomic context (GRCh38, chr11:1,443,639, plus strand): 5'-GACTGCCAGAGTCTGCTACGGGGCATGATCGAGGTGGACGCCGCACGCCGCCTCACGGTG[C>T]GTGCCCTCGGAGCGGGGCGGCCCCAGAGCGTGGCGGGGGGGCGCGGGGGCGGGCGTGTGC-3'